The following is an entry in ClinVar:

NM_016938.5(EFEMP2):c.608-3C>G

Gene: EFEMP2 (EGF-like fibulin extracellular matrix protein 2; minus strand). Cytogenetic location: 11q13.1.
Variant type: single nucleotide variant.
Coding change: c.608-3C>G on transcript NM_016938.5 (MANE Select); 3 bases into the intron before coding-DNA position 608, C replaced by G.
Molecular consequence: intron variant.
Genome position (GRCh38, 1-based): chr11:65,869,979, G>C on the plus strand (C>G on the coding strand, the complement: EFEMP2 is on the minus strand). VCF-style: chr11-65869979-G-C. GRCh37 (hg19) VCF-style: chr11-65637450-G-C.
Identifiers: ClinVar variation 3274662 (VCV003274662.2).

ClinVar aggregate classification (germline): Uncertain significance. Review status: criteria provided, multiple submitters, no conflicts (2 of 4 stars). 2 submissions from 2 submitters: Uncertain significance (2). Last evaluated 2024-05-29.

Conditions:
Cardiovascular phenotype. Identifiers: MedGen CN230736.

gnomAD v4.1: 2 of 1,613,754 alleles (0.00012%); highest among the groups gnomAD compares: East Asian, 0.0022%; no homozygotes.

Submissions (2):

Ambry Genetics
Classification: Uncertain significance for Cardiovascular phenotype. Last evaluated: 2024-05-29. Review status: criteria provided, single submitter. Criteria: Ambry Variant Classification Scheme 2023. Collection method: clinical testing. Allele origin: germline.
Comment: The c.608-3C>G intronic variant results from a C to G substitution 3 nucleotides upstream from coding exon 6 in the EFEMP2 gene. This nucleotide position is not well conserved in available vertebrate species. In silico splice site analysis predicts that this alteration will not have any significant effect on splicing. Based on the available evidence, the clinical significance of this variant remains unclear.

Blueprint Genetics
Classification: Uncertain significance. Last evaluated: 2023-01-28. Review status: criteria provided, single submitter. Criteria: ACMG Guidelines, 2015. Collection method: clinical testing. Allele origin: germline.